The following continues an entry in ClinVar:

NM_000059.4(BRCA2):c.7150C>A (p.Gln2384Lys)

Gene: BRCA2. ClinVar aggregate classification (germline): Benign. Benign (1).

Submissions 20 to 36 of 36:

Genomic Diagnostic Laboratory, Division of Genomic Diagnostics, Children's Hospital of Philadelphia
Classification: Likely benign for Hereditary Breast and Ovarian Cancer. Last evaluated: 2015-11-30. Review status: criteria provided, single submitter. Criteria: DGD Variant Analysis Guidelines. Collection method: clinical testing. Allele origin: unknown. Not counted in ClinVar's aggregate classification.

GeneDx
Classification: Benign. Last evaluated: 2015-11-25. Review status: criteria provided, single submitter. Criteria: GeneDx Variant Classification (06012015). Collection method: clinical testing. Allele origin: germline. Affected: yes. Not counted in ClinVar's aggregate classification.
Comment: This variant is considered likely benign or benign based on one or more of the following criteria: it is a conservative change, it occurs at a poorly conserved position in the protein, it is predicted to be benign by multiple in silico algorithms, and/or has population frequency not consistent with disease.

Color Diagnostics, LLC DBA Color Health
Classification: Benign for Hereditary cancer-predisposing syndrome. Last evaluated: 2015-09-30. Review status: criteria provided, single submitter. Criteria: ACMG Guidelines, 2015. Collection method: clinical testing. Allele origin: germline. Not counted in ClinVar's aggregate classification.

Eurofins Ntd Llc (ga)
Classification: Benign. Last evaluated: 2014-12-11. Review status: criteria provided, single submitter. Criteria: EGL Classification Definitions 2015. Collection method: clinical testing. Allele origin: germline. Observed: 2 variant alleles, 2 heterozygotes. Not counted in ClinVar's aggregate classification.

Ambry Genetics
Classification: Benign for Hereditary cancer-predisposing syndrome. Last evaluated: 2014-11-19. Review status: criteria provided, single submitter. Criteria: Ambry Variant Classification Scheme 2023. Collection method: clinical testing. Allele origin: germline. Not counted in ClinVar's aggregate classification.

Molecular Genetics Laboratory, University of Michigan
Classification: Benign for Breast-ovarian cancer, familial, susceptibility to, 2. Last evaluated: 2014-11-03. Review status: criteria provided, single submitter. Criteria: ACMG Guidelines, 2015. Collection method: clinical testing. Allele origin: germline. Affected: yes. Not counted in ClinVar's aggregate classification.

Pathway Genomics
Classification: Likely benign for Breast-ovarian cancer, familial 2. Last evaluated: 2014-10-30. Review status: criteria provided, single submitter. Criteria: ACMG Guidelines, 2015. Collection method: clinical testing. Allele origin: germline. Not counted in ClinVar's aggregate classification.

CSER _CC_NCGL, University of Washington
Classification: Likely benign for Breast cancer. Last evaluated: 2014-06-01. Review status: criteria provided, single submitter. Criteria: Amendola et al. (Genome Res. 2015). Collection method: research. Allele origin: germline. Inheritance: Autosomal dominant inheritance. Study: ESP 6500 variant annotation. Not counted in ClinVar's aggregate classification.
Comment: Variants classified for the Actionable exomic incidental findings in 6503 participants: challenges of variant classification manuscript

Mayo Clinic Laboratories, Mayo Clinic
Classification: Likely benign. Last evaluated: 2017-05-19. Review status: no assertion criteria provided. Collection method: clinical testing. Allele origin: unknown. Not counted in ClinVar's aggregate classification.

Counsyl
Classification: Likely benign for Breast-ovarian cancer, familial 2. Last evaluated: 2014-03-20. Review status: no assertion criteria provided. Collection method: literature only. Allele origin: unknown. Inheritance: Autosomal dominant inheritance. Not counted in ClinVar's aggregate classification.

ITMI
No classification provided. Condition: AllHighlyPenetrant. Last evaluated: 2013-09-19. Review status: no classification provided. Collection method: reference population. Allele origin: germline. Not counted in ClinVar's aggregate classification.
Comment: Please see associated publication for description of ethnicities

Sharing Clinical Reports Project (SCRP)
Classification: Benign for Breast-ovarian cancer, familial 2. Last evaluated: 2007-02-13. Review status: no assertion criteria provided. Collection method: clinical testing. Allele origin: germline. Not counted in ClinVar's aggregate classification.

Breast Cancer Information Core (BIC) (BRCA2)
Classification: Uncertain significance for Breast-ovarian cancer, familial 2. Last evaluated: 2002-05-29. Review status: no assertion criteria provided. Collection method: clinical testing. Allele origin: germline. Affected: yes. Observed: 31 variant alleles. Not counted in ClinVar's aggregate classification.

Clinical Genetics DNA and cytogenetics Diagnostics Lab, Erasmus MC, Erasmus Medical Center
Classification: Benign. Review status: no assertion criteria provided. Collection method: clinical testing. Allele origin: germline. Affected: yes. Study: VKGL Data-share Consensus. Not counted in ClinVar's aggregate classification.

Department of Pathology and Laboratory Medicine, Sinai Health System
Classification: Benign for Malignant tumor of breast. Review status: no assertion criteria provided. Collection method: clinical testing. Allele origin: unknown. Affected: yes. Study: The Canadian Open Genetics Repository (COGR). Not counted in ClinVar's aggregate classification.
Comment: The BRCA2 p.Gln2384Lys variant was identified in 3 of 4340 proband chromosomes (frequency: 0.001) from individuals or families with breast cancer and was not identified in 280 control chromosomes from healthy individuals (Fackenthal 2005, Gao 2000, Borg 2010). The variant was also identified in dbSNP (ID: rs55977008) â€šÃ„ÃºWith other alleleâ€šÃ„Ã¹, with a minor allele frequency of 0.001 (1000 Genomes Project), and the NHLBI Exome Sequencing Project (Exome Variant Server) in 24 of 4406 African American (frequency 0.005) and 0 of 8600 European American alleles; this variant was identified in the Exome Aggregation Consortium (ExAC) database (released Oct 20th, 2014) 49 of 10380 African, 2 of 11578 latino and 1 of "other" individuals and it was not found in European, European (Non-Finnish), South Asian and East Asian individuals, increasing the likelihood that this may be a low frequency benign variant in certain populations of origin. The variant was also identified in GeneInsight as unclassified by a clinical laboratory within the Canadian Open Genetics Repository, HGMD, LOVD (predicted neutral, non-pathogenic or of no clinical significance), the BIC database (31X with unknown clinical importance and UMD (6X as a neutral variant and also found co-occurring with silent variant, c.4071A>C (p.Leu1357Leu). The variant was submitted to the ClinVar database by multiple submitters: classified as benign variant by the Sharing Clinical Reports Project (SCRP) (submitted within the ClinVar database and derived from Myriad reports) and Ambry Genetics; uncertain significance by BIC and likely benign by Counsyl and by Invitae; classification was not provided by ITMI. The p.Gln2384 residue is not conserved in mammals and lower organisms and computational analyses (PolyPhen-2, SIFT, AlignGVGD, BLOSUM, MutationTaster) do not suggest a high likelihood of impact to the protein; however, this information is not predictive enough to rule out pathogenicity. The p.Gln2384Lys variant occurs outside of the splicing consensus sequence and in silico or computational prediction software programs (SpliceSiteFinder, MaxEntScan, NNSPLICE, GeneSplicer, HumanSpliceFinder) do not predict a difference in splicing. The variant was also identified with high frequency in Algerian and African American breast cancer patients with family history, and BRCA1/2 mutation negative (Cherbal 2012, Nanda 2005). Using a posterior probablility model based on several sources of information for the purpose of VUS classification, the variant was classified as not pathogenic (Lindor 2011). In addition, the variant was found in a patient with uterine serous carcinoma but was not considered a deleterious mutation (Pennington 2013). In summary, based on the above information, the clinical significance of this variant cannot be determined with certainty at this time. This variant is classified as benign.

Foulkes Cancer Genetics LDI, Lady Davis Institute for Medical Research
Classification: Benign for Breast and/or ovarian cancer. Review status: no assertion criteria provided. Collection method: clinical testing. Allele origin: germline. Study: The Canadian Open Genetics Repository (COGR). Not counted in ClinVar's aggregate classification.

Joint Genome Diagnostic Labs from Nijmegen and Maastricht, Radboudumc and MUMC+
Classification: Benign. Review status: no assertion criteria provided. Collection method: clinical testing. Allele origin: germline. Affected: yes. Study: VKGL Data-share Consensus. Not counted in ClinVar's aggregate classification.

Literature cited by the submitters: PubMed 21990134 (cited by 3 submitters); DOI 10.3389/fgene.2022.834265 (cited by National Health Laboratory Service, Universitas Academic Hospital and University of the Free State); PubMed 36329109 (cited by Genetics Program, Instituto Nacional de Cancer); PubMed 17924331 (cited by Illumina Laboratory Services, Illumina and Counsyl); PubMed 22684231 (cited by Illumina Laboratory Services, Illumina); PubMed 24055113 (cited by Illumina Laboratory Services, Illumina and Counsyl); PubMed 15744044 (cited by Illumina Laboratory Services, Illumina and Counsyl); PubMed 15983021 (cited by Illumina Laboratory Services, Illumina); PubMed 23231788 (cited by Illumina Laboratory Services, Illumina and Counsyl); PubMed 24323938 (cited by Pathway Genomics); PubMed 24728327 (cited by Pathway Genomics and ITMI); PubMed 11030417 (cited by Counsyl); PubMed 23469205 (cited by Counsyl); PubMed 21520273 (cited by Counsyl).